The following is an entry in ClinVar:

ClinVar aggregate classification (germline): Benign/Likely benign. Review status: criteria provided, multiple submitters, no conflicts (2 of 4 stars). 4 submissions from 4 submitters: Benign (1); Likely benign (2). 1 of the submissions does not count toward it. Last evaluated 2025-12-24.

Conditions:
PXDN-related disorder. Also called: PXDN-related condition.
Anterior segment dysgenesis 7 (ASGD7). Also called: SCLEROCORNEA WITH OTHER OCULAR ANOMALIES; Anterior segment dysgenesis 7, with sclerocornea. Identifiers: Orphanet 289499, MedGen C3151617, MONDO:0010015, OMIM 269400.

Allele frequency attached by ClinVar (database versions not stated): ESP Exome Variant Server 0.00284; TOPMed 0.00290; 1000 Genomes Project 0.00180; 1000 Genomes Project 30x 0.00203; gnomAD 0.00204.
gnomAD v4.1: 730 of 1,611,960 alleles (0.045%); highest among the groups gnomAD compares: African/African-American, 0.87%; 5 homozygotes.

Submissions (4):

Labcorp Genetics (formerly Invitae), Labcorp
Classification: Benign for Anterior segment dysgenesis 7. Last evaluated: 2025-12-24. Review status: criteria provided, single submitter. Criteria: Invitae Variant Classification Sherloc (09022015). Collection method: clinical testing. Allele origin: germline.

GeneDx
Classification: Likely benign. Last evaluated: 2020-01-23. Review status: criteria provided, single submitter. Criteria: GeneDx Variant Classification Process June 2021. Collection method: clinical testing. Allele origin: germline. Affected: yes.

Breakthrough Genomics
Classification: Likely benign. Review status: criteria provided, single submitter. Criteria: ACMG Guidelines, 2015. Collection method: not provided. Allele origin: germline. Inheritance: Autosomal recessive inheritance. Affected: yes.

PreventionGenetics, part of Exact Sciences
Classification: Likely benign for PXDN-related condition. Last evaluated: 2019-06-19. Review status: no assertion criteria provided. Collection method: clinical testing. Allele origin: germline. Not counted in ClinVar's aggregate classification.
Comment: This variant is classified as likely benign based on ACMG/AMP sequence variant interpretation guidelines (Richards et al. 2015 PMID: 25741868, with internal and published modifications).

NM_012293.3(PXDN):c.3291C>A (p.Pro1097=)

Gene: PXDN (peroxidasin; minus strand). Cytogenetic location: 2p25.3.
Variant type: single nucleotide variant.
Coding change: c.3291C>A on transcript NM_012293.3 (MANE Select); coding-DNA position 3291, C replaced by A.
Protein change: p.Pro1097=; no amino-acid change (proline 1097 retained).
Molecular consequence: synonymous variant.
Genome position (GRCh38, 1-based): chr2:1,648,489, G>T on the plus strand (C>A on the coding strand, the complement: PXDN is on the minus strand). VCF-style: chr2-1648489-G-T. GRCh37 (hg19) VCF-style: chr2-1652261-G-T.
Identifiers: ClinVar variation 707263 (VCV000707263.15), dbSNP rs372463004, ClinGen allele CA1512771.